The following is an entry in ClinVar:

ClinVar aggregate classification (germline): Benign/Likely benign. Review status: criteria provided, multiple submitters, no conflicts (2 of 4 stars). 11 submissions from 11 submitters: Benign (8); Likely benign (1). 2 of the submissions do not count toward it. Last evaluated 2026-02-04.

Conditions:
Combined immunodeficiency due to DOCK8 deficiency (HIES2). Also called: HIES autosomal recessive; HYPER-IgE SYNDROME 2, AUTOSOMAL RECESSIVE, WITH RECURRENT INFECTIONS; DOCK8 Deficiency; HYPER-IgE RECURRENT INFECTION SYNDROME 2, AUTOSOMAL RECESSIVE; Hyper-IgE recurrent infection syndrome, autosomal recessive. Identifiers: Orphanet 217390, MedGen C4722305, MONDO:0009478, OMIM 243700.

Allele frequency attached by ClinVar (database versions not stated): gnomAD 0.66765 and 0.67072; ESP Exome Variant Server 0.66838; TOPMed 0.66913; gnomAD exomes 0.68593; 1000 Genomes Project 30x 0.69347; 1000 Genomes Project 0.69589.
gnomAD v4.1: 1,101,465 of 1,610,546 alleles (68%); highest among the groups gnomAD compares: South Asian, 77%; 377,736 homozygotes.

Submissions (11):

Labcorp Genetics (formerly Invitae), Labcorp
Classification: Benign for Combined immunodeficiency due to DOCK8 deficiency. Last evaluated: 2026-02-04. Review status: criteria provided, single submitter. Criteria: Invitae Variant Classification Sherloc (09022015). Collection method: clinical testing. Allele origin: germline.

Women's Health and Genetics/Laboratory Corporation of America, LabCorp
Classification: Benign. Last evaluated: 2026-01-21. Review status: criteria provided, single submitter. Criteria: LabCorp Variant Classification Summary - May 2015. Collection method: clinical testing. Allele origin: germline.

Blueprint Genetics
Classification: Likely benign. Last evaluated: 2024-11-27. Review status: criteria provided, single submitter. Criteria: ACMG Guidelines, 2015. Collection method: clinical testing. Allele origin: germline.

Unidad de Genómica Garrahan, Hospital de Pediatría Garrahan
Classification: Benign. Last evaluated: 2023-11-12. Review status: criteria provided, single submitter. Criteria: ACMG Guidelines, 2015. Collection method: clinical testing. Allele origin: germline. Affected: no. Observed: 86 variant alleles.
Comment: This variant is classified as Benign based on local population frequency. This variant was detected in 90% of patients studied by a panel of primary immunodeficiencies. Number of patients: 86. Only high quality variants are reported.

Genome-Nilou Lab
Classification: Benign for Combined immunodeficiency due to DOCK8 deficiency. Last evaluated: 2021-07-14. Review status: criteria provided, single submitter. Criteria: ACMG Guidelines, 2015. Collection method: clinical testing. Allele origin: germline. Affected: no.

Laboratory for Molecular Medicine, Mass General Brigham Personalized Medicine
Classification: Benign. Last evaluated: 2016-04-25. Review status: criteria provided, single submitter. Criteria: LMM Criteria. Collection method: clinical testing. Allele origin: germline.
Comment: Variant identified in a genome or exome case(s) and assessed due to predicted null impact of the variant or pathogenic assertions in the literature or databases. Disclaimer: This variant has not undergone full assessment. The following are preliminary notes: Frequency

GeneDx
Classification: Benign. Last evaluated: 2015-03-03. Review status: criteria provided, single submitter. Criteria: GeneDx Variant Classification Process June 2021. Collection method: clinical testing. Allele origin: germline. Affected: yes.

Breakthrough Genomics
Classification: Benign. Review status: criteria provided, single submitter. Criteria: ACMG Guidelines, 2015. Collection method: not provided. Allele origin: germline. Inheritance: Autosomal recessive inheritance. Affected: yes.

PreventionGenetics, part of Exact Sciences
Classification: Benign. Review status: criteria provided, single submitter. Criteria: ACMG Guidelines, 2015. Collection method: clinical testing. Allele origin: germline.

Diagnostic Laboratory, Department of Genetics, University Medical Center Groningen
Classification: Benign. Review status: no assertion criteria provided. Collection method: clinical testing. Allele origin: germline. Affected: yes. Study: VKGL Data-share Consensus. Not counted in ClinVar's aggregate classification.

Genome Diagnostics Laboratory, University Medical Center Utrecht
Classification: Benign. Review status: no assertion criteria provided. Collection method: clinical testing. Allele origin: germline. Affected: yes. Study: VKGL Data-share Consensus. Not counted in ClinVar's aggregate classification.

NM_203447.4(DOCK8):c.895-16T>C

Gene: DOCK8 (dedicator of cytokinesis 8; plus strand). Cytogenetic location: 9p24.3.
Variant type: single nucleotide variant.
Coding change: c.895-16T>C on transcript NM_203447.4 (MANE Select); 16 bases into the intron before coding-DNA position 895, T replaced by C.
Molecular consequence: intron variant.
Genome position (GRCh38, 1-based): chr9:328,006, T>C. VCF-style: chr9-328006-T-C. GRCh37 (hg19) VCF-style: chr9-328006-T-C.
Other names: c.691-16T>C (NM_001193536.2, NM_001190458.2).
Identifiers: ClinVar variation 263271 (VCV000263271.26), dbSNP rs2296828, ClinGen allele CA4957522.
Genomic context (GRCh38, chr9:328,006, plus strand): 5'-TTTACTCCTTTTTAACATGTTTAAACCATGAATGCAACAGGTCTAACTTATATTTCACTT[T>C]GCTGCTCATTTACAGATCTCAGAAAATTTTCACTGTGACCTGAACTCTGACCAGTTCAAA-3'